The following is an entry in ClinVar:

ClinVar aggregate classification (germline): Conflicting classifications of pathogenicity. Review status: criteria provided, conflicting classifications (1 of 4 stars). 5 submissions from 5 submitters: Uncertain significance (4); Likely benign (1). Last evaluated 2026-06-01.

Conditions:
Inborn genetic diseases. Identifiers: MedGen C0950123, MeSH D030342.
ABCA4-related disorder. Also called: ABCA4-related disorders; ABCA4-related condition. Identifiers: MedGen CN239167.

Allele frequency attached by ClinVar (database versions not stated): gnomAD exomes 0.00004 and 0.00002; ExAC 0.00002; TOPMed 0.00002.

Submissions (5):

PreventionGenetics, part of Exact Sciences
Classification: Uncertain significance for ABCA4-related condition. Last evaluated: 2026-06-01. Review status: criteria provided, single submitter. Criteria: ACMG Guidelines, 2015. Collection method: clinical testing. Allele origin: germline.
Comment: The ABCA4 c.3539C>T variant is predicted to result in the amino acid substitution p.Ser1180Leu. To our knowledge, this variant has not been reported in the literature. This variant is present in 0.051% of alleles in individuals of Ashkenazi Jewish descent in gnomAD, which may be too common to be an unreported cause of disease. Although we suspect that this variant may be benign, at this time, the clinical significance of this variant is uncertain due to the absence of conclusive functional and genetic evidence.

Blueprint Genetics
Classification: Uncertain significance. Last evaluated: 2024-10-21. Review status: criteria provided, single submitter. Criteria: ACMG Guidelines, 2015. Collection method: clinical testing. Allele origin: germline.

Labcorp Genetics (formerly Invitae), Labcorp
Classification: Uncertain significance. Last evaluated: 2022-08-16. Review status: criteria provided, single submitter. Criteria: Invitae Variant Classification Sherloc (09022015). Collection method: clinical testing. Allele origin: germline.
Comment: This sequence change replaces serine, which is neutral and polar, with leucine, which is neutral and non-polar, at codon 1180 of the ABCA4 protein (p.Ser1180Leu). This variant is present in population databases (rs267598773, gnomAD 0.04%). This variant has not been reported in the literature in individuals affected with ABCA4-related conditions. ClinVar contains an entry for this variant (Variation ID: 73982). Advanced modeling of protein sequence and biophysical properties (such as structural, functional, and spatial information, amino acid conservation, physicochemical variation, residue mobility, and thermodynamic stability) performed at Invitae indicates that this missense variant is not expected to disrupt ABCA4 protein function. In summary, the available evidence is currently insufficient to determine the role of this variant in disease. Therefore, it has been classified as a Variant of Uncertain Significance.

Ambry Genetics
Classification: Uncertain significance for Inborn genetic diseases. Last evaluated: 2021-06-22. Review status: criteria provided, single submitter. Criteria: Ambry Variant Classification Scheme 2023. Collection method: clinical testing. Allele origin: germline.

GeneDx
Classification: Likely benign. Last evaluated: 2018-04-25. Review status: criteria provided, single submitter. Criteria: GeneDx Variant Classification (06012015). Collection method: clinical testing. Allele origin: germline. Affected: yes.
Comment: This variant is considered likely benign or benign based on one or more of the following criteria: it is a conservative change, it occurs at a poorly conserved position in the protein, it is predicted to be benign by multiple in silico algorithms, and/or has population frequency not consistent with disease.

NM_000350.3(ABCA4):c.3539C>T (p.Ser1180Leu)

Gene: ABCA4 (ATP binding cassette subfamily A member 4; minus strand). Cytogenetic location: 1p22.1.
Variant type: single nucleotide variant.
Coding change: c.3539C>T on transcript NM_000350.3 (MANE Select); coding-DNA position 3539, C replaced by T.
Protein change: p.Ser1180Leu; replaces serine 1180 with leucine.
Molecular consequence: missense variant.
Genome position (GRCh38, 1-based): chr1:94,040,111, G>A on the plus strand (C>T on the coding strand, the complement: ABCA4 is on the minus strand). VCF-style: chr1-94040111-G-A. GRCh37 (hg19) VCF-style: chr1-94505667-G-A.
Other names: c.3317C>T, p.Ser1106Leu (NM_001425324.1); short protein forms S1180L, S1106L.
Identifiers: ClinVar variation 73982 (VCV000073982.12), dbSNP rs267598773, ClinGen allele CA957900.